The following is an entry in ClinVar:

NM_001123385.2(BCOR):c.2172G>C (p.Met724Ile)

Gene: BCOR (BCL6 corepressor; minus strand). Cytogenetic location: Xp11.4.
Variant type: single nucleotide variant.
Coding change: c.2172G>C on transcript NM_001123385.2 (MANE Select); coding-DNA position 2172, G replaced by C.
Protein change: p.Met724Ile; replaces methionine 724 with isoleucine.
Molecular consequence: missense variant.
Genome position (GRCh38, 1-based): chrX:40,073,174, C>G on the plus strand (G>C on the coding strand, the complement: BCOR is on the minus strand). VCF-style: chrX-40073174-C-G. GRCh37 (hg19) VCF-style: chrX-39932427-C-G.
Other names: c.2172G>C, p.Met724Ile (NM_001123383.2, NM_001123384.2, NM_017745.6); short protein forms M724I.
Identifiers: ClinVar variation 2631038 (VCV002631038.1), dbSNP rs2519971316, ClinGen allele CA412743559.
Genomic context (GRCh38, chrX:40,073,174, plus strand): 5'-CTCTGGTTTCTCCTCTTTAGTAATCTCTATGGGCGTGTGTGGTATCAACATGGGATGCAC[C>G]ATGCCCAACCCCAGGGCATCTTGGTAGGTCACAAACTCTGGACGGCCGGTGGGAAGCCCA-3'
Protein context (NP_001116857.1, residues 714-734): VTYQDALGLG[Met724Ile]VHPMLIPHTP

ClinVar aggregate classification (germline): Uncertain significance (1 of 4 stars; one submission).

Conditions:
BCOR-related disorder. Also called: BCOR-related condition; BCOR-related disorders.

gnomAD v4.1: 2 of 1,212,083 alleles (0.00017%); highest among the groups gnomAD compares: Non-Finnish European, 0.00022%; no homozygotes.

Submission:

PreventionGenetics, part of Exact Sciences
Classification: Uncertain significance for BCOR-related condition. Last evaluated: 2023-10-13. Review status: criteria provided, single submitter. Criteria: ACMG Guidelines, 2015. Collection method: clinical testing. Allele origin: germline.
Comment: The BCOR c.2172G>C variant is predicted to result in the amino acid substitution p.Met724Ile. To our knowledge, this variant has not been reported in the literature or in a large population database, indicating this variant is rare. At this time, the clinical significance of this variant is uncertain due to the absence of conclusive functional and genetic evidence.